The following is an entry in ClinVar:

ClinVar aggregate classification (germline): Benign. Review status: reviewed by expert panel (3 of 4 stars). 9 submissions from 9 submitters: Benign (1). 8 of the submissions do not count toward it. Last evaluated 2024-01-23.

Conditions:
JAK3-related disorder. Also called: JAK3-related condition.
T-B+ severe combined immunodeficiency due to JAK3 deficiency. Also called: SCID, T CELL-NEGATIVE, B CELL-POSITIVE, NK CELL-NEGATIVE; SCID, autosomal recessive, T-negative/B-positive type. Identifiers: Orphanet 35078, MedGen C1833275, MONDO:0010938, OMIM 600802.

Allele frequency attached by ClinVar (database versions not stated): gnomAD exomes 0.00617; ExAC 0.01551; gnomAD 0.02493 and 0.02676; 1000 Genomes Project 0.02736; TOPMed 0.02833; 1000 Genomes Project 30x 0.02983; ESP Exome Variant Server 0.02985.
gnomAD v4.1: 7,273 of 1,595,588 alleles (0.46%); highest among the groups gnomAD compares: African/African-American, 8.7%; 321 homozygotes.

Submissions (9):

ClinGen Severe Combined Immunodeficiency Variant Curation Expert Panel, ClinGen
Classification: Benign for T-B+ severe combined immunodeficiency due to JAK3 deficiency. Last evaluated: 2024-01-23. Review status: reviewed by expert panel. Criteria: ClinGen SCID ACMG Specifications JAK3 V1.0.0. Collection method: curation. Allele origin: germline. Inheritance: Autosomal recessive inheritance.
Comment: The c.394C>A (NM_000215.4) variant in JAK3 is a missense variant predicted to cause substitution of Proline by Threonine at amino acid 132 (p.Pro132Thr). The filtering allele frequency (the lower threshold of the 95% CI of 6500/74518) of the c.394C>A variant in JAK3 is 0.08599 for African/African American chromosomes by gnomAD v.4, which is higher than the ClinGen SCID VCEP threshold (>0.00447) for BA1, and therefore meets this criterion (BA1). Furthermore, 321 adult homozygous were described in GnomAD v.2.1.1, meeting BS2_Supporting criteria. In summary, this variant meets the criteria to be classified as Benign for autosomal recessive T-B+ severe combined immunodeficiency due to JAK3 deficiency based on the ACMG/AMP criteria applied, as specified by the ClinGen SCID VCEP. Criteria applied: BA1 and BS2_Supporting (VCEP specifications version 1.0).

Labcorp Genetics (formerly Invitae), Labcorp
Classification: Benign for T-B+ severe combined immunodeficiency due to JAK3 deficiency. Last evaluated: 2026-02-01. Review status: criteria provided, single submitter. Criteria: Invitae Variant Classification Sherloc (09022015). Collection method: clinical testing. Allele origin: germline. Not counted in ClinVar's aggregate classification.

Department of Pathology and Laboratory Medicine, Sinai Health System
Classification: Benign for T-B+ severe combined immunodeficiency due to JAK3 deficiency. Last evaluated: 2023-04-03. Review status: criteria provided, single submitter. Criteria: ACMG Guidelines, 2015. Collection method: research. Allele origin: germline. Not counted in ClinVar's aggregate classification.

Fulgent Genetics
Classification: Benign for T-B+ severe combined immunodeficiency due to JAK3 deficiency. Last evaluated: 2021-07-29. Review status: criteria provided, single submitter. Criteria: ACMG Guidelines, 2015. Collection method: clinical testing. Allele origin: unknown. Not counted in ClinVar's aggregate classification.

Illumina Laboratory Services, Illumina
Classification: Likely benign for T-B+ severe combined immunodeficiency due to JAK3 deficiency. Last evaluated: 2017-04-27. Review status: criteria provided, single submitter. Criteria: ICSL Variant Classification Criteria 13 December 2019. Collection method: clinical testing. Allele origin: germline. Not counted in ClinVar's aggregate classification.
Comment: This variant was observed as part of a predisposition screen in an ostensibly healthy population. A literature search was performed for the gene, cDNA change, and amino acid change (where applicable). Publications were found based on this search. The evidence from the literature, in combination with allele frequency data from public databases where available, was sufficient to determine this variant is unlikely to cause disease. Therefore, this variant is classified as likely benign.

GeneDx
Classification: Benign. Last evaluated: 2013-01-18. Review status: criteria provided, single submitter. Criteria: GeneDx Variant Classification (06012015). Collection method: clinical testing. Allele origin: germline. Affected: yes. Not counted in ClinVar's aggregate classification.
Comment: This variant is considered likely benign or benign based on one or more of the following criteria: it is a conservative change, it occurs at a poorly conserved position in the protein, it is predicted to be benign by multiple in silico algorithms, and/or has population frequency not consistent with disease.

Breakthrough Genomics
Classification: Likely benign. Review status: criteria provided, single submitter. Criteria: ACMG Guidelines, 2015. Collection method: not provided. Allele origin: germline. Inheritance: Autosomal recessive inheritance. Affected: yes. Not counted in ClinVar's aggregate classification.

PreventionGenetics, part of Exact Sciences
Classification: Benign for JAK3-related condition. Last evaluated: 2019-04-01. Review status: no assertion criteria provided. Collection method: clinical testing. Allele origin: germline. Not counted in ClinVar's aggregate classification.
Comment: This variant is classified as benign based on ACMG/AMP sequence variant interpretation guidelines (Richards et al. 2015 PMID: 25741868, with internal and published modifications).

ITMI
No classification provided. Condition: AllHighlyPenetrant. Last evaluated: 2013-09-19. Review status: no classification provided. Collection method: reference population. Allele origin: germline. Not counted in ClinVar's aggregate classification.
Comment: Please see associated publication for description of ethnicities

Literature cited by the submitters: PubMed 24728327 (cited by Illumina Laboratory Services, Illumina and ITMI); PubMed 20132407 (cited by Illumina Laboratory Services, Illumina); PubMed 21599579 (cited by Illumina Laboratory Services, Illumina); PubMed 18270328 (cited by Illumina Laboratory Services, Illumina); PubMed 21821710 (cited by Illumina Laboratory Services, Illumina).

NM_000215.4(JAK3):c.394C>A (p.Pro132Thr)

Gene: JAK3 (Janus kinase 3; minus strand). Cytogenetic location: 19p13.11.
Variant type: single nucleotide variant.
Coding change: c.394C>A on transcript NM_000215.4 (MANE Select); coding-DNA position 394, C replaced by A.
Protein change: p.Pro132Thr; replaces proline 132 with threonine.
Molecular consequence: missense variant.
Genome position (GRCh38, 1-based): chr19:17,843,406, G>T on the plus strand (C>A on the coding strand, the complement: JAK3 is on the minus strand). VCF-style: chr19-17843406-G-T. GRCh37 (hg19) VCF-style: chr19-17954215-G-T.
Other names: p.P132T:CCA>ACA; NM_000215.4(JAK3):c.394C>A; short protein forms P132T.
Identifiers: ClinVar variation 134580 (VCV000134580.21), dbSNP rs3212723, ClinGen allele CA160246.
Genomic context (GRCh38, chr19:17,843,406, plus strand): 5'-AACCCCCTGGGTCAAACCCCAGGCAGAACCCCACCTGGGCAAAGAGGTGCTCCAGGACTG[G>T]CAGGTCAAGGATAGCACTGGCCAAATCCTTGCGTAGCCCGAAGCGGTGGCACTTCTCCAG-3'
Protein context (NP_000206.2, residues 122-142): KDLASAILDL[Pro132Thr]VLEHLFAQHR